The following is an entry in ClinVar:

ClinVar aggregate classification (germline): Pathogenic (1 of 4 stars; one submission).

Submission:

GeneDx
Classification: Pathogenic. Last evaluated: 2025-11-30. Review status: criteria provided, single submitter. Criteria: GeneDx Variant Classification Process June 2021. Collection method: clinical testing. Allele origin: germline. Affected: yes.
Comment: Nonsense variant predicted to result in protein truncation or nonsense mediated decay in a gene for which loss of function is a known mechanism of disease; Not observed at significant frequency in large population cohorts (gnomAD); Identified in an individual with neurodevelopmental and neuropsychiatric issues in the published literature (Guo et al., 2020); This variant is associated with the following publications: (PMID: 33157009, 33310205)

NM_013436.5(NCKAP1):c.2113C>T (p.Arg705Ter)

Gene: NCKAP1 (NCK associated protein 1; minus strand). Cytogenetic location: 2q32.1.
Variant type: single nucleotide variant.
Coding change: c.2113C>T on transcript NM_013436.5 (MANE Select); coding-DNA position 2113, C replaced by T.
Protein change: p.Arg705Ter; replaces arginine 705 with a stop codon.
Molecular consequence: nonsense.
Genome position (GRCh38, 1-based): chr2:182,956,502, G>A on the plus strand (C>T on the coding strand, the complement: NCKAP1 is on the minus strand). VCF-style: chr2-182956502-G-A. GRCh37 (hg19) VCF-style: chr2-183821230-G-A.
Other names: c.2131C>T, p.Arg711Ter (NM_205842.3); short protein forms R705*, R711*.
Identifiers: ClinVar variation 1878674 (VCV001878674.2), dbSNP rs538891750, ClinGen allele CA349758299.